The following is an entry in ClinVar:

NM_005472.5(KCNE3):c.104C>T (p.Pro35Leu)

Gene: KCNE3 (potassium voltage-gated channel subfamily E regulatory subunit 3; minus strand). Cytogenetic location: 11q13.4.
Variant type: single nucleotide variant.
Coding change: c.104C>T on transcript NM_005472.5 (MANE Select); coding-DNA position 104, C replaced by T.
Protein change: p.Pro35Leu; replaces proline 35 with leucine.
Molecular consequence: missense variant.
Genome position (GRCh38, 1-based): chr11:74,457,460, G>A on the plus strand (C>T on the coding strand, the complement: KCNE3 is on the minus strand). VCF-style: chr11-74457460-G-A. GRCh37 (hg19) VCF-style: chr11-74168505-G-A.
Other names: short protein forms P35L.
Identifiers: ClinVar variation 1776585 (VCV001776585.6), dbSNP rs780882536, ClinGen allele CA6184858.

ClinVar aggregate classification (germline): Uncertain significance. Review status: criteria provided, multiple submitters, no conflicts (2 of 4 stars). 2 submissions from 2 submitters: Uncertain significance (2). Last evaluated 2025-10-23.

Conditions:
Cardiovascular phenotype. Identifiers: MedGen CN230736.
Brugada syndrome 6 (BRGDA6). Identifiers: Orphanet 130, MedGen C2751089, MONDO:0013145, OMIM 613119.

Allele frequency attached by ClinVar (database versions not stated): gnomAD exomes 0.00002; ExAC 0.00002; gnomAD 0.00002; TOPMed 0.00003.
gnomAD v4.1: 33 of 1,613,956 alleles (0.002%); highest among the groups gnomAD compares: African/African-American, 0.008%; no homozygotes.

Submissions (2):

Labcorp Genetics (formerly Invitae), Labcorp
Classification: Uncertain significance for Brugada syndrome 6. Last evaluated: 2025-10-23. Review status: criteria provided, single submitter. Criteria: Invitae Variant Classification Sherloc (09022015). Collection method: clinical testing. Allele origin: germline.
Comment: This sequence change replaces proline, which is neutral and non-polar, with leucine, which is neutral and non-polar, at codon 35 of the KCNE3 protein (p.Pro35Leu). This variant is present in population databases (rs780882536, gnomAD 0.01%). This variant has not been reported in the literature in individuals affected with KCNE3-related conditions. ClinVar contains an entry for this variant (Variation ID: 1776585). An algorithm developed to predict the effect of missense changes on protein structure and function outputs the following: PolyPhen-2: "Benign". The leucine amino acid residue is found in multiple mammalian species, which suggests that this missense change does not adversely affect protein function. In summary, the available evidence is currently insufficient to determine the role of this variant in disease. Therefore, it has been classified as a Variant of Uncertain Significance.

Ambry Genetics
Classification: Uncertain significance for Cardiovascular phenotype. Last evaluated: 2025-04-23. Review status: criteria provided, single submitter. Criteria: Ambry Variant Classification Scheme 2023. Collection method: clinical testing. Allele origin: germline.
Comment: The p.P35L variant (also known as c.104C>T), located in coding exon 1 of the KCNE3 gene, results from a C to T substitution at nucleotide position 104. The proline at codon 35 is replaced by leucine, an amino acid with similar properties. This amino acid position is well conserved in available vertebrate species. In addition, this alteration is predicted to be tolerated by in silico analysis. Since supporting evidence is limited at this time, the clinical significance of this alteration remains unclear.